The following is an entry in ClinVar:

ClinVar aggregate classification (germline): Uncertain significance (1 of 4 stars; one submission).

Conditions:
Cutis laxa, autosomal recessive, type 1B (ARCL1B). Also called: CUTIS LAXA, AUTOSOMAL RECESSIVE, TYPE IB; EFEMP2-Related Cutis Laxa. Identifiers: Orphanet 90349, MedGen C3280798, MONDO:0013754, OMIM 614437. Disease mechanism: loss of function.

Allele frequency attached by ClinVar (database versions not stated): ExAC 0.00001; gnomAD exomes 0.00001 and 0.00004; gnomAD 0.00002 and 0.00003; TOPMed 0.00002.
gnomAD v4.1: 57 of 1,613,808 alleles (0.0035%); highest among the groups gnomAD compares: Non-Finnish European, 0.0043%; no homozygotes.

Submission:

Labcorp Genetics (formerly Invitae), Labcorp
Classification: Uncertain significance for Cutis laxa, autosomal recessive, type 1B. Last evaluated: 2019-03-15. Review status: criteria provided, single submitter. Criteria: Invitae Variant Classification Sherloc (09022015). Collection method: clinical testing. Allele origin: germline.
Comment: This sequence change falls in intron 10 of the EFEMP2 gene. It does not directly change the encoded amino acid sequence of the EFEMP2 protein, but it affects a nucleotide within the consensus splice site of the intron. This variant is present in population databases (rs771815109, ExAC 0.002%). This variant has not been reported in the literature in individuals with EFEMP2-related conditions. Nucleotide substitutions within the consensus splice site are a relatively common cause of aberrant splicing (PMID: 17576681, 9536098). Algorithms developed to predict the effect of sequence changes on RNA splicing suggest that this variant may disrupt the consensus splice site, but this prediction has not been confirmed by published transcriptional studies. In summary, the available evidence is currently insufficient to determine the role of this variant in disease. Therefore, it has been classified as a Variant of Uncertain Significance.

Literature cited by the submitters: PubMed 17576681; PubMed 9536098.

NM_016938.5(EFEMP2):c.1170+3A>G

Gene: EFEMP2 (EGF-like fibulin extracellular matrix protein 2; minus strand). Cytogenetic location: 11q13.1.
Variant type: single nucleotide variant.
Coding change: c.1170+3A>G on transcript NM_016938.5 (MANE Select); 3 bases into the intron after coding-DNA position 1170, A replaced by G.
Molecular consequence: intron variant.
Genome position (GRCh38, 1-based): chr11:65,867,858, T>C on the plus strand (A>G on the coding strand, the complement: EFEMP2 is on the minus strand). VCF-style: chr11-65867858-T-C. GRCh37 (hg19) VCF-style: chr11-65635329-T-C.
Identifiers: ClinVar variation 849984 (VCV000849984.5), dbSNP rs771815109, ClinGen allele CA6110402.